The following is an entry in ClinVar:

ClinVar aggregate classification (germline): Uncertain significance (1 of 4 stars; one submission).

Submission:

Labcorp Genetics (formerly Invitae), Labcorp
Classification: Uncertain significance. Last evaluated: 2023-12-12. Review status: criteria provided, single submitter. Criteria: Invitae Variant Classification Sherloc (09022015). Collection method: clinical testing. Allele origin: germline.
Comment: This sequence change replaces alanine, which is neutral and non-polar, with threonine, which is neutral and polar, at codon 712 of the MICAL1 protein (p.Ala712Thr). This variant is not present in population databases (gnomAD no frequency). This variant has not been reported in the literature in individuals affected with MICAL1-related conditions. An algorithm developed to predict the effect of missense changes on protein structure and function (PolyPhen-2) suggests that this variant is likely to be tolerated. In summary, the available evidence is currently insufficient to determine the role of this variant in disease. Therefore, it has been classified as a Variant of Uncertain Significance.

NM_022765.4(MICAL1):c.2077G>A (p.Ala693Thr)

Gene: MICAL1 (microtubule associated monooxygenase, calponin and LIM domain containing 1; minus strand). Cytogenetic location: 6q21.
Variant type: single nucleotide variant.
Coding change: c.2077G>A on transcript NM_022765.4 (MANE Select); coding-DNA position 2077, G replaced by A.
Protein change: p.Ala693Thr; replaces alanine 693 with threonine.
Molecular consequence: missense variant.
Genome position (GRCh38, 1-based): chr6:109,447,223, C>T on the plus strand (G>A on the coding strand, the complement: MICAL1 is on the minus strand). VCF-style: chr6-109447223-C-T. GRCh37 (hg19) VCF-style: chr6-109768426-C-T.
Other names: c.1819G>A, p.Ala607Thr (NM_001159291.2); c.2134G>A, p.Ala712Thr (NM_001286613.2); short protein forms A607T, A693T, A712T.
Identifiers: ClinVar variation 2970473 (VCV002970473.3), dbSNP rs2482780233, ClinGen allele CA365225826.